The following is an entry in ClinVar:

ClinVar aggregate classification (germline): Uncertain significance (1 of 4 stars; one submission).

Conditions:
Hereditary cancer-predisposing syndrome. Also called: Neoplastic Syndromes, Hereditary; Tumor predisposition; Hereditary neoplastic syndrome; Hereditary Cancer Syndrome. Identifiers: Orphanet 140162, MedGen C0027672, MeSH D009386, MONDO:0015356.

gnomAD v4.1: 5 of 1,614,006 alleles (0.00031%); highest among the groups gnomAD compares: South Asian, 0.0055%; no homozygotes.

Submission:

Ambry Genetics
Classification: Uncertain significance for Hereditary cancer-predisposing syndrome. Last evaluated: 2025-05-03. Review status: criteria provided, single submitter. Criteria: Ambry Variant Classification Scheme 2023. Collection method: clinical testing. Allele origin: germline.
Comment: The p.N106D variant (also known as c.316A>G), located in coding exon 3 of the MITF gene, results from an A to G substitution at nucleotide position 316. The asparagine at codon 106 is replaced by aspartic acid, an amino acid with highly similar properties. This amino acid position is conserved. In addition, this alteration is predicted to be tolerated by in silico analysis. Based on the available evidence, the clinical significance of this variant remains unclear.

NM_001354604.2(MITF):c.637A>G (p.Asn213Asp)

Gene: MITF (melanocyte inducing transcription factor; plus strand). Cytogenetic location: 3p13.
Variant type: single nucleotide variant.
Coding change: c.637A>G on transcript NM_001354604.2 (MANE Select); coding-DNA position 637, A replaced by G.
Protein change: p.Asn213Asp; replaces asparagine 213 with aspartic acid.
Molecular consequence: missense variant.
Genome position (GRCh38, 1-based): chr3:69,939,152, A>G. VCF-style: chr3-69939152-A-G. GRCh37 (hg19) VCF-style: chr3-69988303-A-G.
Other names: c.316A>G, p.Asn106Asp (NM_000248.4, NM_198158.3); c.481A>G, p.Asn161Asp (NM_001184967.2, NM_001354608.2); c.634A>G, p.Asn212Asp (NM_001354605.2, NM_001354606.2, NM_006722.3); c.586A>G, p.Asn196Asp (NM_001354607.2); c.637A>G, p.Asn213Asp (NM_198159.3); c.589A>G, p.Asn197Asp (NM_198177.3); c.148A>G, p.Asn50Asp (NM_198178.3); short protein forms N213D, N106D, N212D, N196D, N197D, N161D, N50D.
Identifiers: ClinVar variation 4055200 (VCV004055200.1).